The following is an entry in ClinVar:

ClinVar aggregate classification (germline): Uncertain significance. Review status: criteria provided, multiple submitters, no conflicts (2 of 4 stars). 2 submissions from 2 submitters: Uncertain significance (2). Last evaluated 2022-08-16.

Conditions:
Immunodeficiency 104. Also called: Severe combined immunodeficiency, autosomal recessive, T cell-negative, B cell-positive, NK cell-positive; SCID, AUTOSOMAL RECESSIVE, T CELL-NEGATIVE, B CELL-POSITIVE, NK CELL-POSITIVE; Severe Combined Immune Deficiency, Autosomal Recessive, TCell -Negative, B Cell-Positive, NK Cell-Positive, IL7R-Related; IMMUNODEFICIENCY 104, SEVERE COMBINED. Identifiers: MedGen C5676890, MONDO:0012163, OMIM 608971.
Inborn genetic diseases. Identifiers: MedGen C0950123, MeSH D030342.

Allele frequency attached by ClinVar (database versions not stated): gnomAD 0.00015; gnomAD exomes 0.00017 and 0.00019; TOPMed 0.00018; ExAC 0.00026; ESP Exome Variant Server 0.00031.
gnomAD v4.1: 264 of 1,609,070 alleles (0.016%); highest among the groups gnomAD compares: Middle Eastern, 0.033%; no homozygotes.

Submissions (2):

Labcorp Genetics (formerly Invitae), Labcorp
Classification: Uncertain significance for Immunodeficiency 104. Last evaluated: 2022-08-16. Review status: criteria provided, single submitter. Criteria: Invitae Variant Classification Sherloc (09022015). Collection method: clinical testing. Allele origin: germline.
Comment: This sequence change replaces aspartic acid, which is acidic and polar, with asparagine, which is neutral and polar, at codon 1000 of the PTPRC protein (p.Asp1000Asn). This variant is present in population databases (rs145944629, gnomAD 0.03%). This variant has not been reported in the literature in individuals affected with PTPRC-related conditions. ClinVar contains an entry for this variant (Variation ID: 533064). Algorithms developed to predict the effect of missense changes on protein structure and function are either unavailable or do not agree on the potential impact of this missense change (SIFT: "Deleterious"; PolyPhen-2: "Probably Damaging"; Align-GVGD: "Class C0"). In summary, the available evidence is currently insufficient to determine the role of this variant in disease. Therefore, it has been classified as a Variant of Uncertain Significance.

Ambry Genetics
Classification: Uncertain significance for Inborn genetic diseases. Last evaluated: 2021-08-12. Review status: criteria provided, single submitter. Criteria: Ambry Variant Classification Scheme 2023. Collection method: clinical testing. Allele origin: germline.

NM_002838.5(PTPRC):c.2998G>A (p.Asp1000Asn)

Gene: PTPRC (protein tyrosine phosphatase receptor type C; plus strand). Cytogenetic location: 1q32.1.
Variant type: single nucleotide variant.
Coding change: c.2998G>A on transcript NM_002838.5 (MANE Select); coding-DNA position 2998, G replaced by A.
Protein change: p.Asp1000Asn; replaces aspartic acid 1000 with asparagine.
Molecular consequence: missense variant.
Genome position (GRCh38, 1-based): chr1:198,749,475, G>A. VCF-style: chr1-198749475-G-A. GRCh37 (hg19) VCF-style: chr1-198718604-G-A.
Other names: c.2515G>A, p.Asp839Asn (NM_080921.4); c.2992G>A (NM_002838.3); short protein forms D1000N, D839N.
Identifiers: ClinVar variation 533064 (VCV000533064.5), dbSNP rs145944629, ClinGen allele CA1315305.
Genomic context (GRCh38, chr1:198,749,475, plus strand): 5'-GATGACTATAACAGAGTGCCACTTAAACATGAGCTGGAAATGAGTAAAGAGAGTGAGCAT[G>A]ATTCAGATGAATCCTCTGATGATGACAGTGATTCAGAGGAACCAAGCAAATACATCAATG-3'
Protein context (NP_002829.3, residues 990-1010): ELEMSKESEH[Asp1000Asn]SDESSDDDSD